The following is an entry in ClinVar:

NM_153603.4(COG7):c.229A>G (p.Lys77Glu)

Gene: COG7 (component of oligomeric golgi complex 7; minus strand). Cytogenetic location: 16p12.2.
Variant type: single nucleotide variant.
Coding change: c.229A>G on transcript NM_153603.4 (MANE Select); coding-DNA position 229, A replaced by G.
Protein change: p.Lys77Glu; replaces lysine 77 with glutamic acid.
Molecular consequence: missense variant.
Genome position (GRCh38, 1-based): chr16:23,445,902, T>C on the plus strand (A>G on the coding strand, the complement: COG7 is on the minus strand). VCF-style: chr16-23445902-T-C. GRCh37 (hg19) VCF-style: chr16-23457223-T-C.
Other names: short protein forms K77E.
Identifiers: ClinVar variation 1983264 (VCV001983264.2), dbSNP rs757722545, ClinGen allele CA7961356.

ClinVar aggregate classification (germline): Uncertain significance (1 of 4 stars; one submission).

Conditions:
COG7 congenital disorder of glycosylation (CDG2E). Also called: CONGENITAL DISORDER OF GLYCOSYLATION, TYPE IIe; CDG IIe. Identifiers: Orphanet 79333, MedGen C2931010, MONDO:0012118, OMIM 608779.

Allele frequency attached by ClinVar (database versions not stated): gnomAD 0.00001; TOPMed 0.00001; gnomAD exomes 0.00002; ExAC 0.00005.
gnomAD v4.1: 15 of 1,613,700 alleles (0.00093%); highest among the groups gnomAD compares: East Asian, 0.033%; no homozygotes.

Submission:

Labcorp Genetics (formerly Invitae), Labcorp
Classification: Uncertain significance for COG7 congenital disorder of glycosylation. Last evaluated: 2022-04-17. Review status: criteria provided, single submitter. Criteria: Invitae Variant Classification Sherloc (09022015). Collection method: clinical testing. Allele origin: germline.
Comment: This variant has not been reported in the literature in individuals affected with COG7-related conditions. This sequence change replaces lysine, which is basic and polar, with glutamic acid, which is acidic and polar, at codon 77 of the COG7 protein (p.Lys77Glu). This variant is present in population databases (rs757722545, gnomAD 0.04%). Algorithms developed to predict the effect of missense changes on protein structure and function are either unavailable or do not agree on the potential impact of this missense change (SIFT: "Deleterious"; PolyPhen-2: "Benign"; Align-GVGD: "Class C0"). In summary, the available evidence is currently insufficient to determine the role of this variant in disease. Therefore, it has been classified as a Variant of Uncertain Significance.